The following is an entry in ClinVar:

NM_000051.4(ATM):c.4237-14T>C

Gene: ATM (ATM serine/threonine kinase; plus strand). Cytogenetic location: 11q22.3.
Variant type: single nucleotide variant.
Coding change: c.4237-14T>C on transcript NM_000051.4 (MANE Select); 14 bases into the intron before coding-DNA position 4237, T replaced by C.
Molecular consequence: intron variant.
Genome position (GRCh38, 1-based): chr11:108,289,588, T>C. VCF-style: chr11-108289588-T-C. GRCh37 (hg19) VCF-style: chr11-108160315-T-C.
Other names: c.4237-14T>C (NM_001351834.2).
Identifiers: ClinVar variation 3254049 (VCV003254049.1), dbSNP rs2135758850.
Genomic context (GRCh38, chr11:108,289,588, plus strand): 5'-AAAAATATAAAGTGTATTTATTGTAGCCGAGTATCTAATTAAACAAGTTTTTACTAAATC[T>C]GTTTATTTTCTAGGATTCCTATCAGAAAATTCTTCTTGCCATATGTGAGCAAGCAGCTGA-3'

ClinVar aggregate classification (germline): Likely benign (1 of 4 stars; one submission).

Conditions:
Familial cancer of breast. Also called: BREAST CANCER, FAMILIAL; Hereditary breast cancer; hereditary breast carcinoma. Identifiers: Orphanet 227535, MedGen C0346153, MONDO:0016419, OMIM 114480. Disease mechanism: loss of function.

Submission:

Myriad Genetics, Inc.
Classification: Likely benign for Familial cancer of breast. Last evaluated: 2024-05-17. Review status: criteria provided, single submitter. Criteria: Myriad Autosomal Dominant, Autosomal Recessive and X-Linked Classification Criteria (2023). Collection method: clinical testing. Allele origin: unknown.
Comment: This variant is considered likely benign. This variant is intronic and is not expected to impact mRNA splicing.